The following is an entry in ClinVar:

NM_001436401.1(NOBOX):c.1212G>C (p.Gln404His)

Gene: NOBOX (NOBOX oogenesis homeobox; minus strand). Cytogenetic location: 7q35.
Variant type: single nucleotide variant.
Coding change: c.1212G>C on transcript NM_001436401.1 (MANE Select); coding-DNA position 1212, G replaced by C.
Protein change: p.Gln404His; replaces glutamine 404 with histidine.
Molecular consequence: missense variant.
Genome position (GRCh38, 1-based): chr7:144,398,493, C>G on the plus strand (G>C on the coding strand, the complement: NOBOX is on the minus strand). VCF-style: chr7-144398493-C-G. GRCh37 (hg19) VCF-style: chr7-144095586-C-G.
Other names: NM_001080413.3:c.1563G>C; c.660G>C, p.Gln220His (NM_001436402.1); short protein forms Q220H, Q404H.
Identifiers: ClinVar variation 1049203 (VCV001049203.3), dbSNP rs1009827355, ClinGen allele CA168306483.
Genomic context (GRCh38, chr7:144,398,493, plus strand): 5'-GAAAGTGGGGAGGTAGGGCAACTTGGGCTGAGGGGACTGGAAAAGCGGGGGCTGTGGAGC[C>G]TGGGAGAACTGGAAGGGTCCTGGCTGGTTGCTCTGTTGGTAATCCTGGGGCTCCAGCTCC-3'
Protein context (NP_001423330.1, residues 394-414): SNQPGPFQFS[Gln404His]APQPPLFQSP

ClinVar aggregate classification (germline): Uncertain significance. Review status: criteria provided, single submitter (1 of 4 stars). 2 submissions from 2 submitters: Uncertain significance (1). 1 of the submissions does not count toward it. Last evaluated 2023-03-24.

Conditions:
Inborn genetic diseases. Identifiers: MedGen C0950123, MeSH D030342.

Allele frequency attached by ClinVar (database versions not stated): gnomAD 0.00001; gnomAD exomes 0.00004 and 0.00009; TOPMed 0.00004.
gnomAD v4.1: 123 of 1,536,856 alleles (0.008%); highest among the groups gnomAD compares: Non-Finnish European, 0.01%; no homozygotes.

Submissions (2):

Ambry Genetics
Classification: Uncertain significance for Inborn genetic diseases. Last evaluated: 2023-03-24. Review status: criteria provided, single submitter. Criteria: Ambry Variant Classification Scheme 2023. Collection method: clinical testing. Allele origin: germline.

Department of Pathology and Laboratory Medicine, Sinai Health System
Classification: Uncertain significance. Review status: no assertion criteria provided. Collection method: clinical testing. Allele origin: unknown. Affected: yes. Study: The Canadian Open Genetics Repository (COGR). Not counted in ClinVar's aggregate classification.
Comment: The NOBOX p.Gln521His variant was not identified in the literature nor was it identified in ClinVar, Cosmic, MutDB, or LOVD 3.0. The variant was identified in dbSNP (ID: rs1009827355). The variant was identified in control databases in 8 of 171496 chromosomes at a frequency of 0.000047 (Genome Aggregation Database Feb 27, 2017). The variant was observed in the following populations: European (Finnish) in 1 of 9188 chromosomes (freq: 0.000109), European (non-Finnish) in 7 of 71654 chromosomes (freq: 0.000098), while the variant was not observed in the African, Latino, Ashkenazi Jewish, East Asian, Other, and South Asian populations. The p.Gln521 residue is not conserved in mammals and four out of five computational analyses (PolyPhen-2, SIFT, AlignGVGD, BLOSUM, MutationTaster) do not suggest a high likelihood of impact to the protein; however, this information is not predictive enough to rule out pathogenicity. The variant is located outside of the splicing consensus sequence: 2/4 (MaxEntScan, NNSPLICE) predict a greater than 10% decrease in 3' splicing activity at the variant location, which is not a canonical splice site, and 3/4 (SpliceSiteFinderLike, MaxEntScan, GeneSplicer) predict a greater than 10% increase in 3' splicing activity 9 bp away from the variant location. In summary, based on the above information the clinical significance of this variant cannot be determined with certainty at this time. This variant is classified as a variant of uncertain significance.